The following is an entry in ClinVar:

ClinVar aggregate classification (germline): Uncertain significance (1 of 4 stars; one submission).

Submission:

Ambry Genetics
Classification: Uncertain significance. Last evaluated: 2026-07-16. Review status: criteria provided, single submitter. Criteria: Ambry Variant Classification Scheme 2023. Collection method: clinical testing. Allele origin: germline.
Comment: The p.L24V variant (also known as c.70C>G), located in coding exon 1 of the GALNT12 gene, results from a C to G substitution at nucleotide position 70. The leucine at codon 24 is replaced by valine, an amino acid with highly similar properties. This amino acid position is conserved. In addition, this alteration is predicted to be tolerated by in silico analysis. Based on the available evidence, the clinical significance of this variant remains unclear.

NM_024642.5(GALNT12):c.70C>G (p.Leu24Val)

Genes: GALNT12 (polypeptide N-acetylgalactosaminyltransferase 12; plus strand), LOC130002222 (ATAC-STARR-seq lymphoblastoid silent region 20123; plus strand). Cytogenetic location: 9q22.33.
Variant type: single nucleotide variant.
Coding change: c.70C>G on transcript NM_024642.5 (MANE Select); coding-DNA position 70, C replaced by G.
Protein change: p.Leu24Val; replaces leucine 24 with valine.
Molecular consequence: missense variant.
Genome position (GRCh38, 1-based): chr9:98,807,768, C>G. VCF-style: chr9-98807768-C-G. GRCh37 (hg19) VCF-style: chr9-101570050-C-G.
Other names: short protein forms L24V.
Identifiers: ClinVar variation 5022139 (VCV005022139.1).